The following is an entry in ClinVar:

NM_017777.4(MKS1):c.528_644+12del

Gene: MKS1 (MKS transition zone complex subunit 1; minus strand). Cytogenetic location: 17q22.
Variant type: Deletion.
Coding change: c.528_644+12del on transcript NM_017777.4 (MANE Select); coding-DNA position 528 through 12 bases into the intron after coding-DNA position 644, 129 bases deleted.
Molecular consequence: splice donor variant. On other transcripts: initiator codon variant (1).
Genome position (GRCh38, 1-based): chr17:58,214,247-58,214,375, 129 bases deleted. GRCh37 (hg19): chr17:56,291,609-56,291,737.
Other names: c.-82_35+12del (NM_001321268.2); c.528_644+12del (NM_001330397.2, NM_001321269.2, NM_001411113.1).
Identifiers: ClinVar variation 2951891 (VCV002951891.3), dbSNP rs2509444700, ClinGen allele CA2740093806.

ClinVar aggregate classification (germline): Likely pathogenic (1 of 4 stars; one submission).

Conditions:
Joubert syndrome. Also called: CEREBELLOPARENCHYMAL DISORDER IV; JOUBERT-BOLTSHAUSER SYNDROME; Familial aplasia of the vermis. Identifiers: Orphanet 475, MedGen C5979921, MONDO:0018772.
Meckel-Gruber syndrome. Also called: DYSENCEPHALIA SPLANCHNOCYSTICA; GRUBER SYNDROME; Dysencephalia splachnocystica. Identifiers: Orphanet 564, MedGen C0265215, MONDO:0018921.

Submission:

Labcorp Genetics (formerly Invitae), Labcorp
Classification: Likely pathogenic for Joubert syndrome; Meckel-Gruber syndrome. Last evaluated: 2023-09-12. Review status: criteria provided, single submitter. Criteria: Invitae Variant Classification Sherloc (09022015). Collection method: clinical testing. Allele origin: germline.
Comment: In summary, the currently available evidence indicates that the variant is pathogenic, but additional data are needed to prove that conclusively. Therefore, this variant has been classified as Likely Pathogenic. This variant has not been reported in the literature in individuals affected with MKS1-related conditions. This variant is not present in population databases (gnomAD no frequency). This variant results in the deletion of part of exon 6 (c.528_644+12del) of the MKS1 gene. It is expected to disrupt RNA splicing. Variants that disrupt the donor or acceptor splice site typically lead to a loss of protein function (PMID: 16199547), and loss-of-function variants in MKS1 are known to be pathogenic (PMID: 19466712, 24886560, 26490104).

Literature cited by the submitters: PubMed 16199547; PubMed 19466712; PubMed 24886560; PubMed 26490104.